The following is an entry in ClinVar:

NM_001242896.3(DEPDC5):c.1699C>T (p.Arg567Ter)

Gene: DEPDC5 (DEP domain containing 5, GATOR1 subcomplex subunit; plus strand). Cytogenetic location: 22q12.3.
Variant type: single nucleotide variant.
Coding change: c.1699C>T on transcript NM_001242896.3 (MANE Select); coding-DNA position 1699, C replaced by T.
Protein change: p.Arg567Ter; replaces arginine 567 with a stop codon.
Molecular consequence: nonsense. On other transcripts: non-coding transcript variant (5).
Genome position (GRCh38, 1-based): chr22:31,819,054, C>T. VCF-style: chr22-31819054-C-T. GRCh37 (hg19) VCF-style: chr22-32215040-C-T.
Other names: c.1699C>T, p.Arg567Ter (NM_001136029.4, NM_001242897.2, NM_001363852.2 and 6 more transcripts); c.1615C>T, p.Arg539Ter (NM_001369901.1, NM_001369902.1); short protein forms R539*, R567*.
Identifiers: ClinVar variation 1878856 (VCV001878856.6), dbSNP rs1332825012, ClinGen allele CA411280353.

ClinVar aggregate classification (germline): Pathogenic. Review status: criteria provided, multiple submitters, no conflicts (2 of 4 stars). 3 submissions from 3 submitters: Pathogenic (3). Last evaluated 2025-05-20.

Conditions:
Familial focal epilepsy with variable foci (FPEVF). Identifiers: Orphanet 98820, MedGen C1858477, MONDO:0020310.
Epilepsy, familial focal, with variable foci 1 (FFEVF1). Also called: DEPDC5-Related Epilepsy. Identifiers: MedGen C4551983, MONDO:0024556, OMIM 604364.

Allele frequency attached by ClinVar (database versions not stated): gnomAD exomes below 0.00001; TOPMed 0.00001.
gnomAD v4.1: 2 of 1,614,150 alleles (0.00012%); highest among the groups gnomAD compares: Non-Finnish European, 0.00017%; no homozygotes.

Submissions (3):

Equipe Genetique des Anomalies du Developpement, Université de Bourgogne
Classification: Pathogenic for Epilepsy, familial focal, with variable foci 1. Last evaluated: 2025-05-20. Review status: criteria provided, single submitter. Criteria: ACMG Guidelines, 2015. Collection method: clinical testing. Allele origin: maternal. Affected: yes.
Comment: This is a nonsense, heterozygous variant NM_001242896.3:c.1699C>T p.(Arg567Ter) in the gene DEPDC5. Monoallelic variants in this gene are responsible for familial focal epilepsy with autosomal dominant inheritance (OMIM #604364). This variant is reported twice in the database gnomAD (v4.1.0). It is a variant previously reported as pathogenic in ClinVar and described in individuals affected with familial focal epilepsy. According to current evidence, this variant is considered pathogenic. An incomplete penetrance, estimated at 66%, has been reported for DEPDC5-related familial focal epilepsy (PMID: 23542697, 23542701, 38752894).

GeneDx
Classification: Pathogenic. Last evaluated: 2024-03-15. Review status: criteria provided, single submitter. Criteria: GeneDx Variant Classification Process June 2021. Collection method: clinical testing. Allele origin: germline. Affected: yes.
Comment: Nonsense variant predicted to result in protein truncation or nonsense mediated decay in a gene for which loss of function is a known mechanism of disease; Not observed at significant frequency in large population cohorts (gnomAD); Has not been previously published as pathogenic or benign to our knowledge

Labcorp Genetics (formerly Invitae), Labcorp
Classification: Pathogenic for Familial focal epilepsy with variable foci. Last evaluated: 2024-01-17. Review status: criteria provided, single submitter. Criteria: Invitae Variant Classification Sherloc (09022015). Collection method: clinical testing. Allele origin: germline.
Comment: This sequence change creates a premature translational stop signal (p.Arg567*) in the DEPDC5 gene. It is expected to result in an absent or disrupted protein product. Loss-of-function variants in DEPDC5 are known to be pathogenic (PMID: 23542697, 23542701). This variant is not present in population databases (gnomAD no frequency). This variant has not been reported in the literature in individuals affected with DEPDC5-related conditions. ClinVar contains an entry for this variant (Variation ID: 1878856). For these reasons, this variant has been classified as Pathogenic.

Literature cited by the submitters: PubMed 23542697 (cited by Equipe Genetique des Anomalies du Developpement, Université de Bourgogne and Labcorp Genetics (formerly Invitae), Labcorp); PubMed 23542701 (cited by Equipe Genetique des Anomalies du Developpement, Université de Bourgogne and Labcorp Genetics (formerly Invitae), Labcorp); PubMed 38752894 (cited by Equipe Genetique des Anomalies du Developpement, Université de Bourgogne).